The following is an entry in ClinVar:

ClinVar aggregate classification (germline): Likely benign (1 of 4 stars; one submission).

gnomAD v4.1: 1 of 1,612,900 alleles (0.000062%); highest among the groups gnomAD compares: Non-Finnish European, 0.000085%; no homozygotes.

Submission:

CeGaT Center for Human Genetics Tuebingen
Classification: Likely benign. Last evaluated: 2026-01-01. Review status: criteria provided, single submitter. Criteria: CeGaT Center For Human Genetics Tuebingen Variant Classification Criteria Version 2. Collection method: clinical testing. Allele origin: germline. Affected: yes. Observed: 1 variant allele.
Comment: ZNF429: BP4, BP7

NM_001001415.4(ZNF429):c.981C>T (p.Thr327=)

Gene: ZNF429 (zinc finger protein 429; plus strand). Cytogenetic location: 19p12.
Variant type: single nucleotide variant.
Coding change: c.981C>T on transcript NM_001001415.4 (MANE Select); coding-DNA position 981, C replaced by T.
Protein change: p.Thr327=; no amino-acid change (threonine 327 retained).
Molecular consequence: synonymous variant.
Genome position (GRCh38, 1-based): chr19:21,537,034, C>T. VCF-style: chr19-21537034-C-T. GRCh37 (hg19) VCF-style: chr19-21719836-C-T.
Other names: c.975C>T, p.Thr325= (NM_001346912.2); c.885C>T, p.Thr295= (NM_001346913.2, NM_001346914.2, NM_001346915.2); c.789C>T, p.Thr263= (NM_001346916.2).
Identifiers: ClinVar variation 4822997 (VCV004822997.4).